The following is an entry in ClinVar:

NM_002303.6(LEPR):c.2051A>C (p.His684Pro)

Genes: LEPR (leptin receptor; plus strand), LOC122094844 (Sharpr-MPRA regulatory region 5730; plus strand). Cytogenetic location: 1p31.3.
Variant type: single nucleotide variant.
Coding change: c.2051A>C on transcript NM_002303.6 (MANE Select); coding-DNA position 2051, A replaced by C.
Protein change: p.His684Pro; replaces histidine 684 with proline.
Molecular consequence: missense variant.
Genome position (GRCh38, 1-based): chr1:65,616,063, A>C. VCF-style: chr1-65616063-A-C. GRCh37 (hg19) VCF-style: chr1-66081746-A-C.
Other names: c.2051A>C, p.His684Pro (NM_001003679.3, NM_001003680.3, NM_001198687.2 and 2 more transcripts); short protein forms H684P.
Identifiers: ClinVar variation 3340175 (VCV003340175.2).

ClinVar aggregate classification (germline): Likely pathogenic. Review status: criteria provided, single submitter (1 of 4 stars). 2 submissions from 2 submitters: Likely pathogenic (1). 1 of the submissions does not count toward it. Last evaluated 2024-02-07.

Conditions:
LEPR-related disorder. Also called: LEPR-related condition; LEPR-related disorders.

gnomAD v4.1: 60 of 1,614,080 alleles (0.0037%); highest among the groups gnomAD compares: Non-Finnish European, 0.0051%; no homozygotes.

Submissions (2):

GeneDx
Classification: Likely pathogenic. Last evaluated: 2024-02-07. Review status: criteria provided, single submitter. Criteria: GeneDx Variant Classification Process June 2021. Collection method: clinical testing. Allele origin: germline. Affected: yes.
Comment: Published functional studies demonstrate a damaging effect (PMID: 17229951, 18703626); In silico analysis supports that this missense variant does not alter protein structure/function; This variant is associated with the following publications: (PMID: 29736023, 18703626, 33140236, 30560226, 35528826, 29970488, 33922961, 22692456, 17229951)

PreventionGenetics, part of Exact Sciences
Classification: Pathogenic for LEPR-related condition. Last evaluated: 2024-03-13. Review status: no assertion criteria provided. Collection method: clinical testing. Allele origin: germline. Not counted in ClinVar's aggregate classification.
Comment: The LEPR c.2051A>C variant is predicted to result in the amino acid substitution p.His684Pro. This variant has been reported in the homozygous and compound heterozygous state in individuals with severe obesity (see, for example, Farooqi et al. 2007. PubMed ID: 17229951; Kleinendorst et al. 2018. PubMed ID: 29970488). In vitro functional studies suggest this variant results in a complete loss of leptin receptor signaling (Farooqi et al. 2007. PubMed ID: 17229951; Kimber et al. 2008. PubMed ID: 18703626; Supplemental Data Set, Shah et al. 2023. PubMed ID: 36864747). This variant is reported in 0.0039% of alleles in individuals of European (non-Finnish) descent in gnomAD. This variant is interpreted as pathogenic.